The following is an entry in ClinVar:

NM_138694.4(PKHD1):c.8332C>T (p.Pro2778Ser)

Gene: PKHD1 (PKHD1 ciliary IPT domain containing fibrocystin/polyductin; minus strand). Cytogenetic location: 6p12.3.
Variant type: single nucleotide variant.
Coding change: c.8332C>T on transcript NM_138694.4 (MANE Select); coding-DNA position 8332, C replaced by T.
Protein change: p.Pro2778Ser; replaces proline 2778 with serine.
Molecular consequence: missense variant.
Genome position (GRCh38, 1-based): chr6:51,791,344, G>A on the plus strand (C>T on the coding strand, the complement: PKHD1 is on the minus strand). VCF-style: chr6-51791344-G-A. GRCh37 (hg19) VCF-style: chr6-51656142-G-A.
Other names: c.8332C>T (NM_138694.3); c.8332C>T, p.Pro2778Ser (NM_170724.3); short protein forms P2778S.
Identifiers: ClinVar variation 2067483 (VCV002067483.3), dbSNP rs1286456861, ClinGen allele CA364416541.

ClinVar aggregate classification (germline): Uncertain significance. Review status: criteria provided, multiple submitters, no conflicts (2 of 4 stars). 2 submissions from 2 submitters: Uncertain significance (2). Last evaluated 2024-07-16.

Conditions:
Inborn genetic diseases. Identifiers: MedGen C0950123, MeSH D030342.
Autosomal recessive polycystic kidney disease (ARPKD). Also called: AR polycystic kidney disease. Identifiers: Orphanet 731, Orphanet 8378, MedGen C0085548, MeSH D017044, MONDO:0009889.

Allele frequency attached by ClinVar (database versions not stated): gnomAD exomes 0.00001; TOPMed 0.00001.
gnomAD v4.1: 6 of 1,613,522 alleles (0.00037%); highest among the groups gnomAD compares: Admixed American, 0.01%; no homozygotes.

Submissions (2):

Ambry Genetics
Classification: Uncertain significance for Inborn genetic diseases. Last evaluated: 2024-07-16. Review status: criteria provided, single submitter. Criteria: Ambry Variant Classification Scheme 2023. Collection method: clinical testing. Allele origin: germline.

Labcorp Genetics (formerly Invitae), Labcorp
Classification: Uncertain significance for Autosomal recessive polycystic kidney disease. Last evaluated: 2023-07-17. Review status: criteria provided, single submitter. Criteria: Invitae Variant Classification Sherloc (09022015). Collection method: clinical testing. Allele origin: germline.
Comment: In summary, the available evidence is currently insufficient to determine the role of this variant in disease. Therefore, it has been classified as a Variant of Uncertain Significance. Advanced modeling of protein sequence and biophysical properties (such as structural, functional, and spatial information, amino acid conservation, physicochemical variation, residue mobility, and thermodynamic stability) performed at Invitae indicates that this missense variant is expected to disrupt PKHD1 protein function. ClinVar contains an entry for this variant (Variation ID: 2067483). This variant has not been reported in the literature in individuals affected with PKHD1-related conditions. This variant is present in population databases (no rsID available, gnomAD 0.009%). This sequence change replaces proline, which is neutral and non-polar, with serine, which is neutral and polar, at codon 2778 of the PKHD1 protein (p.Pro2778Ser).